The following is an entry in ClinVar:

ClinVar aggregate classification (germline): Pathogenic (1 of 4 stars; one submission).

Submission:

Labcorp Genetics (formerly Invitae), Labcorp
Classification: Pathogenic. Last evaluated: 2020-07-01. Review status: criteria provided, single submitter. Criteria: Invitae Variant Classification Sherloc (09022015). Collection method: clinical testing. Allele origin: germline.
Comment: This sequence change creates a premature translational stop signal (p.Glu478Argfs*34) in the LAMC2 gene. It is expected to result in an absent or disrupted protein product. This variant is not present in population databases (ExAC no frequency). This variant has not been reported in the literature in individuals with LAMC2-related conditions. Loss-of-function variants in LAMC2 are known to be pathogenic (PMID: 11907499, 16473856). For these reasons, this variant has been classified as Pathogenic.

Literature cited by the submitters: PubMed 11907499; PubMed 16473856.

NM_005562.3(LAMC2):c.1432del (p.Glu478fs)

Gene: LAMC2 (laminin subunit gamma 2; plus strand). Cytogenetic location: 1q25.3.
Variant type: Deletion.
Coding change: c.1432del on transcript NM_005562.3 (MANE Select); coding-DNA position 1432, one base deleted (G; older notation c.1432delG).
Protein change: p.Glu478fs; shifts the reading frame from glutamic acid 478.
Molecular consequence: frameshift variant.
Genome position (GRCh38, 1-based): chr1:183,227,661, G deleted; the last of 2 consecutive G bases (chr1:183,227,660-183,227,661); deleting either gives the same sequence. VCF-style (leftmost placement, unchanged base first): chr1-183227659-AG-A. GRCh37 (hg19) VCF-style: chr1-183196794-AG-A.
Other names: c.1432del, p.Glu478fs (NM_018891.3); short protein forms E478fs.
Identifiers: ClinVar variation 1074740 (VCV001074740.7), dbSNP rs1659669242, ClinGen allele CA1009898862.